The following is an entry in ClinVar:

NM_018006.5(TRMU):c.773-4G>A

Gene: TRMU (tRNA mitochondrial 2-thiouridylase; plus strand). Cytogenetic location: 22q13.31.
Variant type: single nucleotide variant.
Coding change: c.773-4G>A on transcript NM_018006.5 (MANE Select); 4 bases into the intron before coding-DNA position 773, G replaced by A.
Molecular consequence: intron variant.
Genome position (GRCh38, 1-based): chr22:46,353,763, G>A. VCF-style: chr22-46353763-G-A. GRCh37 (hg19) VCF-style: chr22-46749660-G-A.
Other names: c.773-4G>A (NM_001282785.2); c.431-4G>A (NM_001282782.2); c.353-4G>A (NM_001282783.2, NM_001282784.2).
Identifiers: ClinVar variation 899871 (VCV000899871.14), dbSNP rs368787983, ClinGen allele CA10292243.

ClinVar aggregate classification (germline): Conflicting classifications of pathogenicity. Review status: criteria provided, conflicting classifications (1 of 4 stars). 3 submissions from 3 submitters: Uncertain significance (1); Likely benign (1). 1 of the submissions does not count toward it. Last evaluated 2024-02-08.

Conditions:
Acute infantile liver failure due to synthesis defect of mtDNA-encoded proteins. Also called: LIVER FAILURE, INFANTILE, TRANSIENT; TRMU Deficiency; Liver failure acute infantile. Identifiers: Orphanet 217371, MedGen C3278664, MONDO:0013111, OMIM 613070.
TRMU-related disorder. Also called: TRMU-related condition.

Allele frequency attached by ClinVar (database versions not stated): ExAC 0.00002; gnomAD exomes 0.00002; gnomAD 0.00003 and 0.00004; TOPMed 0.00004; ESP Exome Variant Server 0.00023.
gnomAD v4.1: 34 of 1,613,406 alleles (0.0021%); highest among the groups gnomAD compares: Non-Finnish European, 0.0027%; no homozygotes.

Submissions (3):

Labcorp Genetics (formerly Invitae), Labcorp
Classification: Likely benign. Last evaluated: 2024-02-08. Review status: criteria provided, single submitter. Criteria: Invitae Variant Classification Sherloc (09022015). Collection method: clinical testing. Allele origin: germline.

Illumina Laboratory Services, Illumina
Classification: Uncertain significance for Acute infantile liver failure due to synthesis defect of mtDNA-encoded proteins. Last evaluated: 2018-01-12. Review status: criteria provided, single submitter. Criteria: ICSL Variant Classification Criteria 13 December 2019. Collection method: clinical testing. Allele origin: germline.

PreventionGenetics, part of Exact Sciences
Classification: Likely benign for TRMU-related condition. Last evaluated: 2020-06-02. Review status: no assertion criteria provided. Collection method: clinical testing. Allele origin: germline. Not counted in ClinVar's aggregate classification.
Comment: This variant is classified as likely benign based on ACMG/AMP sequence variant interpretation guidelines (Richards et al. 2015 PMID: 25741868, with internal and published modifications).